The following is an entry in ClinVar:

NM_003079.5(SMARCE1):c.643G>A (p.Val215Ile)

Gene: SMARCE1 (SWI/SNF related BAF chromatin remodeling complex subunit E1; minus strand). Cytogenetic location: 17q21.2.
Variant type: single nucleotide variant.
Coding change: c.643G>A on transcript NM_003079.5 (MANE Select); coding-DNA position 643, G replaced by A.
Protein change: p.Val215Ile; replaces valine 215 with isoleucine.
Molecular consequence: missense variant.
Genome position (GRCh38, 1-based): chr17:40,632,266, C>T on the plus strand (G>A on the coding strand, the complement: SMARCE1 is on the minus strand). VCF-style: chr17-40632266-C-T. GRCh37 (hg19) VCF-style: chr17-38788518-C-T.
Other names: short protein forms V215I.
Identifiers: ClinVar variation 407071 (VCV000407071.18), dbSNP rs376327613, ClinGen allele CA8545204.

ClinVar aggregate classification (germline): Conflicting classifications of pathogenicity. Review status: criteria provided, conflicting classifications (1 of 4 stars). 4 submissions from 4 submitters: Uncertain significance (3); Likely benign (1). Last evaluated 2025-09-03.

Conditions:
Hereditary cancer-predisposing syndrome. Also called: Hereditary Cancer Syndrome; Hereditary neoplastic syndrome; Neoplastic Syndromes, Hereditary; Tumor predisposition. Identifiers: Orphanet 140162, MedGen C0027672, MeSH D009386, MONDO:0015356.
Familial meningioma. Also called: Meningioma, familial, susceptibility to. Identifiers: Orphanet 263662, MedGen C3551915, MONDO:0011789, OMIM 607174.

Allele frequency attached by ClinVar (database versions not stated): gnomAD exomes 0.00001 and 0.00003; gnomAD 0.00002; TOPMed 0.00003; ExAC 0.00004; ESP Exome Variant Server 0.00008.
gnomAD v4.1: 21 of 1,613,812 alleles (0.0013%); highest among the groups gnomAD compares: Admixed American, 0.0083%; no homozygotes.

Submissions (4):

Labcorp Genetics (formerly Invitae), Labcorp
Classification: Uncertain significance for Familial meningioma. Last evaluated: 2025-09-03. Review status: criteria provided, single submitter. Criteria: Invitae Variant Classification Sherloc (09022015). Collection method: clinical testing. Allele origin: germline.
Comment: This sequence change replaces valine, which is neutral and non-polar, with isoleucine, which is neutral and non-polar, at codon 215 of the SMARCE1 protein (p.Val215Ile). This variant is present in population databases (rs376327613, gnomAD 0.01%). This variant has not been reported in the literature in individuals affected with SMARCE1-related conditions. ClinVar contains an entry for this variant (Variation ID: 407071). Invitae Evidence Modeling of protein sequence and biophysical properties (such as structural, functional, and spatial information, amino acid conservation, physicochemical variation, residue mobility, and thermodynamic stability) has been performed for this missense variant. However, the output from this modeling did not meet the statistical confidence thresholds required to predict the impact of this variant on SMARCE1 protein function. In summary, the available evidence is currently insufficient to determine the role of this variant in disease. Therefore, it has been classified as a Variant of Uncertain Significance.

Ambry Genetics
Classification: Likely benign for Hereditary cancer-predisposing syndrome. Last evaluated: 2024-04-05. Review status: criteria provided, single submitter. Criteria: Ambry Variant Classification Scheme 2023. Collection method: clinical testing. Allele origin: germline.

GeneDx
Classification: Uncertain significance. Last evaluated: 2024-03-20. Review status: criteria provided, single submitter. Criteria: GeneDx Variant Classification Process June 2021. Collection method: clinical testing. Allele origin: germline. Affected: yes.
Comment: In silico analysis supports that this missense variant does not alter protein structure/function; Has not been previously published as pathogenic or benign to our knowledge; This variant is associated with the following publications: (PMID: 19245665)

Breakthrough Genomics
Classification: Uncertain significance. Review status: criteria provided, single submitter. Criteria: ACMG Guidelines, 2015. Collection method: not provided. Allele origin: germline. Inheritance: Autosomal dominant inheritance. Affected: yes.